The following is an entry in ClinVar:

ClinVar aggregate classification (germline): Uncertain significance. Review status: criteria provided, multiple submitters, no conflicts (2 of 4 stars). 2 submissions from 2 submitters: Uncertain significance (2). Last evaluated 2025-10-26.

Conditions:
Hereditary cancer-predisposing syndrome. Also called: Tumor predisposition; Hereditary neoplastic syndrome; Neoplastic Syndromes, Hereditary; Hereditary Cancer Syndrome. Identifiers: Orphanet 140162, MedGen C0027672, MeSH D009386, MONDO:0015356.
Familial adenomatous polyposis 1 (FAP1). Also called: FAMILIAL ADENOMATOUS POLYPOSIS 1, ATTENUATED; POLYPOSIS, ADENOMATOUS INTESTINAL. Identifiers: MedGen C2713442, MONDO:0021056, OMIM 175100. Disease mechanism: loss of function.

Submissions (2):

Labcorp Genetics (formerly Invitae), Labcorp
Classification: Uncertain significance for Familial adenomatous polyposis 1. Last evaluated: 2025-10-26. Review status: criteria provided, single submitter. Criteria: Invitae Variant Classification Sherloc (09022015). Collection method: clinical testing. Allele origin: germline.
Comment: This sequence change replaces arginine, which is basic and polar, with glutamine, which is neutral and polar, at codon 499 of the APC protein (p.Arg499Gln). This variant is not present in population databases (gnomAD no frequency). This variant has not been reported in the literature in individuals affected with APC-related conditions. ClinVar contains an entry for this variant (Variation ID: 819326). Invitae Evidence Modeling of protein sequence and biophysical properties (such as structural, functional, and spatial information, amino acid conservation, physicochemical variation, residue mobility, and thermodynamic stability) indicates that this missense variant is not expected to disrupt APC protein function with a negative predictive value of 95%. In summary, the available evidence is currently insufficient to determine the role of this variant in disease. Therefore, it has been classified as a Variant of Uncertain Significance.

Ambry Genetics
Classification: Uncertain significance for Hereditary cancer-predisposing syndrome. Last evaluated: 2024-02-07. Review status: criteria provided, single submitter. Criteria: Ambry Variant Classification Scheme 2023. Collection method: clinical testing. Allele origin: germline.
Comment: The p.R499Q variant (also known as c.1496G>A), located in coding exon 11 of the APC gene, results from a G to A substitution at nucleotide position 1496. The arginine at codon 499 is replaced by glutamine, an amino acid with highly similar properties. This amino acid position is highly conserved in available vertebrate species. In addition, in silico predictors for this gene do not accurately predict pathogenicity. Since supporting evidence is limited at this time, the clinical significance of this alteration remains unclear.

NM_000038.6(APC):c.1496G>A (p.Arg499Gln)

Gene: APC (APC regulator of Wnt signaling pathway; plus strand). Cytogenetic location: 5q22.2.
Variant type: single nucleotide variant.
Coding change: c.1496G>A on transcript NM_000038.6 (MANE Select); coding-DNA position 1496, G replaced by A.
Protein change: p.Arg499Gln; replaces arginine 499 with glutamine.
Molecular consequence: missense variant.
Genome position (GRCh38, 1-based): chr5:112,827,195, G>A. VCF-style: chr5-112827195-G-A. GRCh37 (hg19) VCF-style: chr5-112162892-G-A.
Other names: c.1496G>A, p.Arg499Gln (NM_001127510.3, NM_001354895.2); c.1442G>A, p.Arg481Gln (NM_001127511.3); c.1550G>A, p.Arg517Gln (NM_001354896.2); c.1526G>A, p.Arg509Gln (NM_001354897.2); c.1421G>A, p.Arg474Gln (NM_001354898.2); c.1412G>A, p.Arg471Gln (NM_001354899.2); c.1373G>A, p.Arg458Gln (NM_001354900.2); c.1319G>A, p.Arg440Gln (NM_001354901.2); and 5 more; short protein forms R509Q, R398Q, R339Q, R440Q, R471Q, R474Q, R499Q, R517Q.
Identifiers: ClinVar variation 819326 (VCV000819326.9), dbSNP rs1580565504, ClinGen allele CA16024579.